The following is an entry in ClinVar:

NM_001854.4(COL11A1):c.1829G>A (p.Gly610Asp)

Gene: COL11A1 (collagen type XI alpha 1 chain; minus strand). Cytogenetic location: 1p21.1.
Variant type: single nucleotide variant.
Coding change: c.1829G>A on transcript NM_001854.4 (MANE Select); coding-DNA position 1829, G replaced by A.
Protein change: p.Gly610Asp; replaces glycine 610 with aspartic acid.
Molecular consequence: missense variant. On other transcripts: non-coding transcript variant (1).
Genome position (GRCh38, 1-based): chr1:103,005,854, C>T on the plus strand (G>A on the coding strand, the complement: COL11A1 is on the minus strand). VCF-style: chr1-103005854-C-T. GRCh37 (hg19) VCF-style: chr1-103471410-C-T.
Other names: c.1712G>A, p.Gly571Asp (NM_001190709.2); c.1865G>A, p.Gly622Asp (NM_080629.3); c.1481G>A, p.Gly494Asp (NM_080630.4); short protein forms G610D, G494D, G571D, G622D.
Identifiers: ClinVar variation 4741137 (VCV004741137.1).

ClinVar aggregate classification (germline): Uncertain significance (1 of 4 stars; one submission).

Submission:

Labcorp Genetics (formerly Invitae), Labcorp
Classification: Uncertain significance. Last evaluated: 2025-10-25. Review status: criteria provided, single submitter. Criteria: Invitae Variant Classification Sherloc (09022015). Collection method: clinical testing. Allele origin: germline.
Comment: This sequence change replaces glycine, which is neutral and non-polar, with aspartic acid, which is acidic and polar, at codon 610 of the COL11A1 protein (p.Gly610Asp). This variant is not present in population databases (gnomAD no frequency). This variant has not been reported in the literature in individuals affected with COL11A1-related conditions. Invitae Evidence Modeling of protein sequence and biophysical properties (such as structural, functional, and spatial information, amino acid conservation, physicochemical variation, residue mobility, and thermodynamic stability) has been performed for this missense variant. However, the output from this modeling did not meet the statistical confidence thresholds required to predict the impact of this variant on COL11A1 protein function. In summary, the available evidence is currently insufficient to determine the role of this variant in disease. Therefore, it has been classified as a Variant of Uncertain Significance.